The following is an entry in ClinVar:

NM_020117.11(LARS1):c.2666G>A (p.Gly889Asp)

Gene: LARS1 (leucyl-tRNA synthetase 1; minus strand). Cytogenetic location: 5q32.
Variant type: single nucleotide variant.
Coding change: c.2666G>A on transcript NM_020117.11 (MANE Select); coding-DNA position 2666, G replaced by A.
Protein change: p.Gly889Asp; replaces glycine 889 with aspartic acid.
Molecular consequence: missense variant.
Genome position (GRCh38, 1-based): chr5:146,129,081, C>T on the plus strand (G>A on the coding strand, the complement: LARS1 is on the minus strand). VCF-style: chr5-146129081-C-T. GRCh37 (hg19) VCF-style: chr5-145508644-C-T.
Other names: p.G889D:GGT>GAT; c.2528G>A, p.Gly843Asp (NM_001317964.2); c.2504G>A, p.Gly835Asp (NM_001317965.2); c.2585G>A, p.Gly862Asp (NM_016460.4); short protein forms G889D, G843D, G862D, G835D.
Identifiers: ClinVar variation 214563 (VCV000214563.38), dbSNP rs150148403, ClinGen allele CA319751.

ClinVar aggregate classification (germline): Benign/Likely benign. Review status: criteria provided, multiple submitters, no conflicts (2 of 4 stars). 4 submissions from 4 submitters: Benign (2); Likely benign (2). Last evaluated 2026-01-29.

Allele frequency attached by ClinVar (database versions not stated): 1000 Genomes Project 30x 0.00109; 1000 Genomes Project 0.00120; TOPMed 0.00327; gnomAD 0.00392 and 0.00403; ESP Exome Variant Server 0.00461; gnomAD exomes 0.00476 and 0.00534; ExAC 0.00535.
gnomAD v4.1: 8,308 of 1,606,300 alleles (0.52%); highest among the groups gnomAD compares: Non-Finnish European, 0.62%; 35 homozygotes.

Submissions (4):

Labcorp Genetics (formerly Invitae), Labcorp
Classification: Benign. Last evaluated: 2026-01-29. Review status: criteria provided, single submitter. Criteria: Invitae Variant Classification Sherloc (09022015). Collection method: clinical testing. Allele origin: germline.

CeGaT Center for Human Genetics Tuebingen
Classification: Likely benign. Last evaluated: 2024-12-01. Review status: criteria provided, single submitter. Criteria: CeGaT Center For Human Genetics Tuebingen Variant Classification Criteria Version 2. Collection method: clinical testing. Allele origin: germline. Affected: yes. Observed: 4 variant alleles.
Comment: LARS1: BS2

Ambry Genetics
Classification: Likely benign. Last evaluated: 2022-05-26. Review status: criteria provided, single submitter. Criteria: Ambry Variant Classification Scheme 2023. Collection method: clinical testing. Allele origin: germline.

GeneDx
Classification: Benign. Last evaluated: 2019-09-20. Review status: criteria provided, single submitter. Criteria: GeneDx Variant Classification Process June 2021. Collection method: clinical testing. Allele origin: germline. Affected: yes.